The following is an entry in ClinVar:

ClinVar aggregate classification (germline): Uncertain significance (1 of 4 stars; one submission).

Conditions:
Hereditary cancer-predisposing syndrome. Also called: Neoplastic Syndromes, Hereditary; Tumor predisposition; Hereditary neoplastic syndrome; Hereditary Cancer Syndrome. Identifiers: Orphanet 140162, MedGen C0027672, MeSH D009386, MONDO:0015356.

Submission:

Ambry Genetics
Classification: Uncertain significance for Hereditary cancer-predisposing syndrome. Last evaluated: 2026-07-06. Review status: criteria provided, single submitter. Criteria: Ambry Variant Classification Scheme 2023. Collection method: clinical testing. Allele origin: germline.
Comment: The p.P2320R variant (also known as c.6959C>G), located in coding exon 15 of the APC gene, results from a C to G substitution at nucleotide position 6959. The proline at codon 2320 is replaced by arginine, an amino acid with dissimilar properties. This amino acid position is conserved. In addition, in silico predictors for this gene do not accurately predict pathogenicity. Based on the available evidence, the clinical significance of this variant remains unclear.

NM_000038.6(APC):c.6959C>G (p.Pro2320Arg)

Gene: APC (APC regulator of Wnt signaling pathway; plus strand). Cytogenetic location: 5q22.2.
Variant type: single nucleotide variant.
Coding change: c.6959C>G on transcript NM_000038.6 (MANE Select); coding-DNA position 6959, C replaced by G.
Protein change: p.Pro2320Arg; replaces proline 2320 with arginine.
Molecular consequence: missense variant. On other transcripts: non-coding transcript variant (2).
Genome position (GRCh38, 1-based): chr5:112,842,553, C>G. VCF-style: chr5-112842553-C-G. GRCh37 (hg19) VCF-style: chr5-112178250-C-G.
Other names: c.6959C>G, p.Pro2320Arg (NM_001127510.3, NM_001354895.2, NM_001407450.1); c.6905C>G, p.Pro2302Arg (NM_001127511.3); c.7013C>G, p.Pro2338Arg (NM_001354896.2, NM_001407447.1, NM_001407448.1 and 1 more transcripts); c.6989C>G, p.Pro2330Arg (NM_001354897.2); c.6884C>G, p.Pro2295Arg (NM_001354898.2); c.6875C>G, p.Pro2292Arg (NM_001354899.2); c.6836C>G, p.Pro2279Arg (NM_001354900.2); c.6782C>G, p.Pro2261Arg (NM_001354901.2, NM_001407453.1); and 11 more; short protein forms P2191R, P2194R, P2279R, P2310R, P2313R, P2348R, P1936R, P2160R.
Identifiers: ClinVar variation 5024984 (VCV005024984.1).